The following is an entry in ClinVar:

ClinVar aggregate classification (germline): Likely benign. Review status: criteria provided, multiple submitters, no conflicts (2 of 4 stars). 2 submissions from 2 submitters: Likely benign (2). Last evaluated 2026-07-01.

gnomAD v4.1: 566 of 1,613,186 alleles (0.035%); highest among the groups gnomAD compares: East Asian, 1%; 4 homozygotes.

Submissions (2):

CeGaT Center for Human Genetics Tuebingen
Classification: Likely benign. Last evaluated: 2026-07-01. Review status: criteria provided, single submitter. Criteria: CeGaT Center For Human Genetics Tuebingen Variant Classification Criteria Version 2. Collection method: clinical testing. Allele origin: germline. Affected: yes. Observed: 2 variant alleles.
Comment: ADGRL1: BP4, BP7, BS1

Blueprint Genetics
Classification: Likely benign. Last evaluated: 2024-10-10. Review status: criteria provided, single submitter. Criteria: ACMG Guidelines, 2015. Collection method: clinical testing. Allele origin: germline.

NM_014921.5(ADGRL1):c.1926G>A (p.Thr642=)

Genes: ADGRL1 (adhesion G protein-coupled receptor L1; minus strand), ADGRL1-AS1 (ADGRL1 antisense RNA 1; plus strand). Cytogenetic location: 19p13.12.
Variant type: single nucleotide variant.
Coding change: c.1926G>A on transcript NM_014921.5 (MANE Select); coding-DNA position 1926, G replaced by A.
Protein change: p.Thr642=; no amino-acid change (threonine 642 retained).
Molecular consequence: synonymous variant.
Genome position (GRCh38, 1-based): chr19:14,159,498, C>T on the plus strand (G>A on the coding strand, the complement: ADGRL1 is on the minus strand). VCF-style: chr19-14159498-C-T. GRCh37 (hg19) VCF-style: chr19-14270310-C-T.
Other names: c.1941G>A, p.Thr647= (NM_001008701.3).
Identifiers: ClinVar variation 4533880 (VCV004533880.7).
Genomic context (GRCh38, chr19:14,159,498, plus strand): 5'-CCTGACATTGTCGGCCAGCAGGAAGGCGCCCTCCTCCAGGACGTCGAGGAGCATGGTGGC[C>T]GTGTGCACCTGCTCCGTGGCATTCATGTCCTTCCAGGACTCCAGAGCTTCTGGCCGGAGC-3'
Protein context (NP_055736.2, residues 632-652): KDMNATEQVH[Thr642=]ATMLLDVLEE